The following is an entry in ClinVar:

ClinVar aggregate classification (germline): Uncertain significance. Review status: criteria provided, multiple submitters, no conflicts (2 of 4 stars). 4 submissions from 4 submitters: Uncertain significance (4). Last evaluated 2025-04-10.

Conditions:
Microcephaly, normal intelligence and immunodeficiency (NBS). Also called: Immunodeficiency, microcephaly with normal intelligence; Ataxia telangiectasia variant V1; IMMUNODEFICIENCY, MICROCEPHALY, AND CHROMOSOMAL INSTABILITY; BERLIN BREAKAGE SYNDROME; SEEMANOVA SYNDROME II; Nijmegen breakage syndrome. Identifiers: Orphanet 647, MedGen C0398791, MONDO:0009623, OMIM 251260.
Hereditary cancer-predisposing syndrome. Also called: Neoplastic Syndromes, Hereditary; Hereditary neoplastic syndrome; Tumor predisposition; Hereditary Cancer Syndrome. Identifiers: Orphanet 140162, MedGen C0027672, MeSH D009386, MONDO:0015356.

gnomAD v4.1: 2 of 1,605,738 alleles (0.00012%); highest among the groups gnomAD compares: South Asian, 0.0011%; no homozygotes.

Submissions (4):

Ambry Genetics
Classification: Uncertain significance for Hereditary cancer-predisposing syndrome. Last evaluated: 2025-04-10. Review status: criteria provided, single submitter. Criteria: Ambry Variant Classification Scheme 2023. Collection method: clinical testing. Allele origin: germline.
Comment: The p.V184F variant (also known as c.550G>T), located in coding exon 5 of the NBN gene, results from a G to T substitution at nucleotide position 550. The valine at codon 184 is replaced by phenylalanine, an amino acid with highly similar properties. This amino acid position is not well conserved in available vertebrate species. In addition, this alteration is predicted to be tolerated by in silico analysis. Since supporting evidence is limited at this time, the clinical significance of this alteration remains unclear.

Labcorp Genetics (formerly Invitae), Labcorp
Classification: Uncertain significance for Microcephaly, normal intelligence and immunodeficiency. Last evaluated: 2024-07-08. Review status: criteria provided, single submitter. Criteria: Invitae Variant Classification Sherloc (09022015). Collection method: clinical testing. Allele origin: germline.
Comment: This sequence change replaces valine, which is neutral and non-polar, with phenylalanine, which is neutral and non-polar, at codon 184 of the NBN protein (p.Val184Phe). This variant is not present in population databases (gnomAD no frequency). This variant has not been reported in the literature in individuals affected with NBN-related conditions. ClinVar contains an entry for this variant (Variation ID: 530734). An algorithm developed to predict the effect of missense changes on protein structure and function (PolyPhen-2) suggests that this variant is likely to be disruptive. In summary, the available evidence is currently insufficient to determine the role of this variant in disease. Therefore, it has been classified as a Variant of Uncertain Significance.

St. Jude Molecular Pathology, St. Jude Children's Research Hospital
Classification: Uncertain significance for Microcephaly, normal intelligence and immunodeficiency. Last evaluated: 2022-07-21. Review status: criteria provided, single submitter. Criteria: St. Jude Assertion Criteria 2020. Collection method: clinical testing. Allele origin: germline.
Comment: The NBN c.550G>T (p.Val184Phe) missense change is absent in gnomAD v2.1.1. The in silico tool REVEL is inconclusive about a pathogenic or benign effect of this variant on protein function, and to our knowledge functional studies have not been performed. To our knowledge, this variant has not been reported in individuals with Nijmegan breakage syndrome or NBN-associated cancers. In summary, the evidence currently available is insufficient to determine the clinical significance of this variant. It has therefore been classified as of uncertain significance.

Genome-Nilou Lab
Classification: Uncertain significance for Microcephaly, normal intelligence and immunodeficiency. Last evaluated: 2021-11-07. Review status: criteria provided, single submitter. Criteria: ACMG Guidelines, 2015. Collection method: clinical testing. Allele origin: germline. Affected: no.

NM_002485.5(NBN):c.550G>T (p.Val184Phe)

Gene: NBN (nibrin; minus strand). Cytogenetic location: 8q21.3.
Variant type: single nucleotide variant.
Coding change: c.550G>T on transcript NM_002485.5 (MANE Select); coding-DNA position 550, G replaced by T.
Protein change: p.Val184Phe; replaces valine 184 with phenylalanine.
Molecular consequence: missense variant.
Genome position (GRCh38, 1-based): chr8:89,978,254, C>A on the plus strand (G>T on the coding strand, the complement: NBN is on the minus strand). VCF-style: chr8-89978254-C-A. GRCh37 (hg19) VCF-style: chr8-90990482-C-A.
Other names: c.304G>T, p.Val102Phe (NM_001024688.3); short protein forms V184F, V102F.
Identifiers: ClinVar variation 530734 (VCV000530734.20), dbSNP rs1554566641, ClinGen allele CA371660215.